The following is an entry in ClinVar:

ClinVar aggregate classification (germline): Pathogenic/Likely pathogenic. Review status: criteria provided, multiple submitters, no conflicts (2 of 4 stars). 3 submissions from 3 submitters: Pathogenic (2); Likely pathogenic (1). Last evaluated 2026-07-01.

Conditions:
Joubert syndrome. Also called: JOUBERT-BOLTSHAUSER SYNDROME; Familial aplasia of the vermis. Identifiers: Orphanet 475, MedGen C5979921, MONDO:0018772.
Meckel-Gruber syndrome. Also called: Dysencephalia splachnocystica; DYSENCEPHALIA SPLANCHNOCYSTICA; GRUBER SYNDROME. Identifiers: Orphanet 564, MedGen C0265215, MONDO:0018921.
Joubert syndrome and related disorders. Identifiers: Orphanet 140874, MedGen C5679612, MONDO:0015369.

Allele frequency attached by ClinVar (database versions not stated): ExAC below 0.00001; gnomAD 0.00001; gnomAD exomes 0.00001; TOPMed 0.00001.
gnomAD v4.1: 9 of 1,551,676 alleles (0.00058%); highest among the groups gnomAD compares: South Asian, 0.0083%; no homozygotes.

Submissions (3):

GeneDx
Classification: Pathogenic. Last evaluated: 2026-07-01. Review status: criteria provided, single submitter. Criteria: GeneDx Variant Classification Process June 2021. Collection method: clinical testing. Allele origin: germline.
Comment: Canonical splice site variant predicted to result in a null allele in a gene for which loss of function is a known mechanism of disease; Not observed at significant frequency in large population cohorts (gnomAD); Has not been previously published as pathogenic or benign to our knowledge

Myriad Genetics, Inc.
Classification: Likely pathogenic for Joubert syndrome and related disorders. Last evaluated: 2026-04-07. Review status: criteria provided, single submitter. Criteria: Myriad Autosomal Dominant, Autosomal Recessive and X-Linked Classification Criteria (2023). Collection method: clinical testing. Allele origin: unknown.
Comment: NM_001080522.2(CC2D2A):c.4496+2T>C is a variant in a canonical splice site classified as likely pathogenic in the context of CC2D2A-related disorders. c.4496+2T>C has not been observed in cases with relevant disease. Relevant functional assessments of this variant are not available in the literature. c.4496+2T>C has been observed in referenced population frequency databases. In summary, NM_001080522.2(CC2D2A):c.4496+2T>C is a variant in a canonical splice site in a gene where loss of function is a known mechanism of disease and is predicted to disrupt protein function. Please note: this variant was assessed in the context of healthy population screening.

Labcorp Genetics (formerly Invitae), Labcorp
Classification: Pathogenic for Joubert syndrome; Meckel-Gruber syndrome. Last evaluated: 2024-08-31. Review status: criteria provided, single submitter. Criteria: Invitae Variant Classification Sherloc (09022015). Collection method: clinical testing. Allele origin: germline.
Comment: This sequence change affects a donor splice site in intron 36 of the CC2D2A gene. It is expected to disrupt RNA splicing. Variants that disrupt the donor or acceptor splice site typically lead to a loss of protein function (PMID: 16199547), and loss-of-function variants in CC2D2A are known to be pathogenic (PMID: 19777577). The frequency data for this variant in the population databases is considered unreliable, as metrics indicate poor data quality at this position in the gnomAD database. Disruption of this splice site has been observed in individual(s) with Meckel-Gruber syndrome (PMID: 19777577). ClinVar contains an entry for this variant (Variation ID: 631940). Algorithms developed to predict the effect of sequence changes on RNA splicing suggest that this variant may disrupt the consensus splice site. For these reasons, this variant has been classified as Pathogenic.

Literature cited by the submitters: PubMed 16199547 (cited by Labcorp Genetics (formerly Invitae), Labcorp); PubMed 19777577 (cited by Labcorp Genetics (formerly Invitae), Labcorp).

NM_001378615.1(CC2D2A):c.4496+2T>C

Genes: FBXL5 (F-box and leucine rich repeat protein 5; minus strand), CC2D2A (coiled-coil and C2 domain containing 2A; plus strand). Cytogenetic location: 4p15.32.
Variant type: single nucleotide variant.
Coding change: c.4496+2T>C on transcript NM_001378615.1 (MANE Select); the canonical splice donor site of the intron after coding-DNA position 4496, T replaced by C.
Molecular consequence: splice donor variant.
Genome position (GRCh38, 1-based): chr4:15,597,467, T>C. VCF-style: chr4-15597467-T-C. GRCh37 (hg19) VCF-style: chr4-15599090-T-C.
Other names: c.4496+2T>C (NM_001080522.2); c.4349+2T>C (NM_001378617.1).
Identifiers: ClinVar variation 631940 (VCV000631940.13), dbSNP rs386833762, ClinGen allele CA2864390.